The following is an entry in ClinVar:

ClinVar aggregate classification (germline): Uncertain significance (1 of 4 stars; one submission).

Submission:

GeneDx
Classification: Uncertain significance. Last evaluated: 2019-05-09. Review status: criteria provided, single submitter. Criteria: GeneDx Variant Classification Process June 2021. Collection method: clinical testing. Allele origin: germline. Affected: yes.
Comment: Not observed in large population cohorts (Lek et al., 2016); In silico analysis, which includes protein predictors and evolutionary conservation, supports a deleterious effect; Has not been previously published as pathogenic or benign to our knowledge

NM_001128840.3(CACNA1D):c.3027C>A (p.Phe1009Leu)

Gene: CACNA1D (calcium voltage-gated channel subunit alpha1 D; plus strand). Cytogenetic location: 3p21.1.
Variant type: single nucleotide variant.
Coding change: c.3027C>A on transcript NM_001128840.3 (MANE Select); coding-DNA position 3027, C replaced by A.
Protein change: p.Phe1009Leu; replaces phenylalanine 1009 with leucine.
Molecular consequence: missense variant.
Genome position (GRCh38, 1-based): chr3:53,745,644, C>A. VCF-style: chr3-53745644-C-A. GRCh37 (hg19) VCF-style: chr3-53779671-C-A.
Other names: c.3087C>A, p.Phe1029Leu (NM_000720.4); c.3027C>A, p.Phe1009Leu (NM_001128839.3); short protein forms F1009L, F1029L.
Identifiers: ClinVar variation 1305768 (VCV001305768.2), dbSNP rs756714892, ClinGen allele CA353246346.